The following is an entry in ClinVar:

ClinVar aggregate classification (germline): Uncertain significance (1 of 4 stars; one submission).

Conditions:
Autosomal dominant hypocalcemia 1 (HYPOC1). Also called: HYPOCALCEMIA, FAMILIAL. Identifiers: MedGen C3715128, MONDO:0011013, OMIM 601198.
Familial hypocalciuric hypercalcemia (FHH). Also called: Familial benign hypercalcemia. Identifiers: Orphanet 405, MedGen C1809471, MONDO:0018458.

gnomAD v4.1: 2 of 1,614,056 alleles (0.00012%); highest among the groups gnomAD compares: South Asian, 0.0011%; no homozygotes.

Submission:

Labcorp Genetics (formerly Invitae), Labcorp
Classification: Uncertain significance for Familial hypocalciuric hypercalcemia; Autosomal dominant hypocalcemia 1. Last evaluated: 2024-04-25. Review status: criteria provided, single submitter. Criteria: Invitae Variant Classification Sherloc (09022015). Collection method: clinical testing. Allele origin: germline.
Comment: This sequence change replaces serine, which is neutral and polar, with proline, which is neutral and non-polar, at codon 490 of the CASR protein (p.Ser490Pro). This variant is not present in population databases (gnomAD no frequency). This variant has not been reported in the literature in individuals affected with CASR-related conditions. An algorithm developed to predict the effect of missense changes on protein structure and function (PolyPhen-2) suggests that this variant is likely to be disruptive. In summary, the available evidence is currently insufficient to determine the role of this variant in disease. Therefore, it has been classified as a Variant of Uncertain Significance.

NM_000388.4(CASR):c.1468T>C (p.Ser490Pro)

Gene: CASR (calcium sensing receptor; plus strand). Cytogenetic location: 3q21.1.
Variant type: single nucleotide variant.
Coding change: c.1468T>C on transcript NM_000388.4 (MANE Select); coding-DNA position 1468, T replaced by C.
Protein change: p.Ser490Pro; replaces serine 490 with proline.
Molecular consequence: missense variant.
Genome position (GRCh38, 1-based): chr3:122,275,902, T>C. VCF-style: chr3-122275902-T-C. GRCh37 (hg19) VCF-style: chr3-121994749-T-C.
Other names: c.1468T>C, p.Ser490Pro (NM_001178065.2); short protein forms S490P.
Identifiers: ClinVar variation 3750177 (VCV003750177.2).